The following is an entry in ClinVar:

ClinVar aggregate classification (germline): Uncertain significance (1 of 4 stars; one submission).

Allele frequency attached by ClinVar (database versions not stated): TOPMed below 0.00001; gnomAD 0.00001; gnomAD exomes 0.00002.
gnomAD v4.1: 17 of 1,209,926 alleles (0.0014%); highest among the groups gnomAD compares: Non-Finnish European, 0.0019%; no homozygotes.

Submission:

Labcorp Genetics (formerly Invitae), Labcorp
Classification: Uncertain significance. Last evaluated: 2024-05-06. Review status: criteria provided, single submitter. Criteria: Invitae Variant Classification Sherloc (09022015). Collection method: clinical testing. Allele origin: germline.
Comment: This sequence change replaces valine, which is neutral and non-polar, with alanine, which is neutral and non-polar, at codon 2083 of the HUWE1 protein (p.Val2083Ala). This variant is not present in population databases (gnomAD no frequency). This variant has not been reported in the literature in individuals affected with HUWE1-related conditions. Advanced modeling of protein sequence and biophysical properties (such as structural, functional, and spatial information, amino acid conservation, physicochemical variation, residue mobility, and thermodynamic stability) has been performed at Invitae for this missense variant, however the output from this modeling did not meet the statistical confidence thresholds required to predict the impact of this variant on HUWE1 protein function. In summary, the available evidence is currently insufficient to determine the role of this variant in disease. Therefore, it has been classified as a Variant of Uncertain Significance.

NM_031407.7(HUWE1):c.6248T>C (p.Val2083Ala)

Gene: HUWE1 (HECT, UBA and WWE domain containing E3 ubiquitin protein ligase 1; minus strand). Cytogenetic location: Xp11.22.
Variant type: single nucleotide variant.
Coding change: c.6248T>C on transcript NM_031407.7 (MANE Select); coding-DNA position 6248, T replaced by C.
Protein change: p.Val2083Ala; replaces valine 2083 with alanine.
Molecular consequence: missense variant.
Genome position (GRCh38, 1-based): chrX:53,573,814, A>G on the plus strand (T>C on the coding strand, the complement: HUWE1 is on the minus strand). VCF-style: chrX-53573814-A-G. GRCh37 (hg19) VCF-style: chrX-53600774-A-G.
Other names: short protein forms V2083A.
Identifiers: ClinVar variation 2883855 (VCV002883855.3), dbSNP rs1023045885, ClinGen allele CA329194582.
Genomic context (GRCh38, chrX:53,573,814, plus strand): 5'-TTGATCAGTTCAGACTGGCCCACAGTGTAGCTGTAGTTGGCAATCAGGGTAGCAATACCA[A>G]CATAGGACCTCACCAACTCTGCCAGAAGACGAAGGATAGTGGAGGTAGGCATTAAAGGTT-3'
Protein context (NP_113584.3, residues 2073-2093): RLLAELVRSY[Val2083Ala]GIATLIANYS